The following is an entry in ClinVar:

ClinVar aggregate classification (germline): Uncertain significance (1 of 4 stars; one submission).

Submission:

Labcorp Genetics (formerly Invitae), Labcorp
Classification: Uncertain significance. Last evaluated: 2024-10-24. Review status: criteria provided, single submitter. Criteria: Invitae Variant Classification Sherloc (09022015). Collection method: clinical testing. Allele origin: germline.
Comment: This sequence change replaces histidine, which is basic and polar, with asparagine, which is neutral and polar, at codon 385 of the PIAS1 protein (p.His385Asn). This variant is not present in population databases (gnomAD no frequency). This variant has not been reported in the literature in individuals affected with PIAS1-related conditions. Invitae Evidence Modeling of protein sequence and biophysical properties (such as structural, functional, and spatial information, amino acid conservation, physicochemical variation, residue mobility, and thermodynamic stability) indicates that this missense variant is not expected to disrupt PIAS1 protein function with a negative predictive value of 80%. In summary, the available evidence is currently insufficient to determine the role of this variant in disease. Therefore, it has been classified as a Variant of Uncertain Significance.

NM_016166.3(PIAS1):c.1153C>A (p.His385Asn)

Gene: PIAS1 (protein inhibitor of activated STAT 1; plus strand). Cytogenetic location: 15q23.
Variant type: single nucleotide variant.
Coding change: c.1153C>A on transcript NM_016166.3 (MANE Select); coding-DNA position 1153, C replaced by A.
Protein change: p.His385Asn; replaces histidine 385 with asparagine.
Molecular consequence: missense variant.
Genome position (GRCh38, 1-based): chr15:68,173,876, C>A. VCF-style: chr15-68173876-C-A. GRCh37 (hg19) VCF-style: chr15-68466214-C-A.
Other names: c.1159C>A, p.His387Asn (NM_001320687.1); short protein forms H387N, H385N.
Identifiers: ClinVar variation 2805498 (VCV002805498.3), dbSNP rs2505292765, ClinGen allele CA393212825.